The following is an entry in ClinVar:

ClinVar aggregate classification (germline): Uncertain significance (1 of 4 stars; one submission).

Conditions:
Pulmonary fibrosis and/or bone marrow failure, Telomere-related, 3. Also called: PULMONARY FIBROSIS AND/OR BONE MARROW FAILURE SYNDROME, TELOMERE-RELATED, 3. Identifiers: Orphanet 2032, MedGen C4225346, MONDO:0014613, OMIM 616373.
Dyskeratosis congenita, autosomal recessive 5 (DKCB5). Identifiers: MedGen C3554656, MONDO:0014076, OMIM 615190.

Submission:

Labcorp Genetics (formerly Invitae), Labcorp
Classification: Uncertain significance for Dyskeratosis congenita, autosomal recessive 5; Pulmonary fibrosis and/or bone marrow failure, Telomere-related, 3. Last evaluated: 2022-02-09. Review status: criteria provided, single submitter. Criteria: Invitae Variant Classification Sherloc (09022015). Collection method: clinical testing. Allele origin: germline.
Comment: This variant has not been reported in the literature in individuals affected with RTEL1-related conditions. Algorithms developed to predict the effect of missense changes on protein structure and function (SIFT, PolyPhen-2, Align-GVGD) all suggest that this variant is likely to be tolerated. In summary, the available evidence is currently insufficient to determine the role of this variant in disease. Therefore, it has been classified as a Variant of Uncertain Significance. This variant is not present in population databases (gnomAD no frequency). This sequence change replaces arginine, which is basic and polar, with threonine, which is neutral and polar, at codon 518 of the RTEL1 protein (p.Arg518Thr).

NM_001283009.2(RTEL1):c.1553G>C (p.Arg518Thr)

Genes: RTEL1 (regulator of telomere elongation helicase 1; plus strand), RTEL1-TNFRSF6B (RTEL1-TNFRSF6B readthrough (NMD candidate); plus strand). Cytogenetic location: 20q13.33.
Variant type: single nucleotide variant.
Coding change: c.1553G>C on transcript NM_001283009.2 (MANE Select); coding-DNA position 1553, G replaced by C.
Protein change: p.Arg518Thr; replaces arginine 518 with threonine.
Molecular consequence: missense variant. On other transcripts: non-coding transcript variant (1).
Genome position (GRCh38, 1-based): chr20:63,688,008, G>C. VCF-style: chr20-63688008-G-C. GRCh37 (hg19) VCF-style: chr20-62319361-G-C.
Other names: c.884G>C, p.Arg295Thr (NM_001283010.1); c.1553G>C, p.Arg518Thr (NM_016434.4); c.1625G>C, p.Arg542Thr (NM_032957.5); short protein forms R518T, R542T, R295T.
Identifiers: ClinVar variation 1986157 (VCV001986157.4), dbSNP rs2090635650, ClinGen allele CA409676769.